The following is an entry in ClinVar:

ClinVar aggregate classification (germline): Likely benign (1 of 4 stars; one submission).

Conditions:
PMP2-related disorder. Also called: PMP2-related condition.

gnomAD v4.1: 80 of 1,611,386 alleles (0.005%); highest among the groups gnomAD compares: African/African-American, 0.089%; no homozygotes.

Submission:

PreventionGenetics, part of Exact Sciences
Classification: Likely benign for PMP2-related condition. Last evaluated: 2026-08-21. Review status: criteria provided, single submitter. Criteria: ACMG Guidelines, 2015. Collection method: clinical testing. Allele origin: germline.
Comment: This variant is classified as likely benign based on ACMG/AMP sequence variant interpretation guidelines (Richards et al. 2015 PMID: 25741868, with internal and published modifications).

NM_002677.5(PMP2):c.-5T>C

Gene: PMP2 (peripheral myelin protein 2; minus strand). Cytogenetic location: 8q21.13.
Variant type: single nucleotide variant.
Coding change: c.-5T>C on transcript NM_002677.5 (MANE Select); 5 bases upstream of the start codon, T replaced by C.
Molecular consequence: 5 prime UTR variant.
Genome position (GRCh38, 1-based): chr8:81,447,391, A>G on the plus strand (T>C on the coding strand, the complement: PMP2 is on the minus strand). VCF-style: chr8-81447391-A-G. GRCh37 (hg19) VCF-style: chr8-82359626-A-G.
Other names: c.-5T>C (NM_001348381.2).
Identifiers: ClinVar variation 4989175 (VCV004989175.1).
Genomic context (GRCh38, chr8:81,447,391, plus strand): 5'-TCGTCAAAGTTCTCACTAGAGACAAGTTTCCAGGTGCCCAGGAATTTGTTGCTCATCGTG[A>G]TGGGTGAGAGCTCAACACAGTTCTAAGTGGGATTCAGAAGACTCAGATAAAATGCTGAGG-3'